The following is an entry in ClinVar:

ClinVar aggregate classification (germline): Benign. Review status: criteria provided, multiple submitters, no conflicts (2 of 4 stars). 9 submissions from 9 submitters: Benign (8). 1 of the submissions does not count toward it. Last evaluated 2026-02-03.

Conditions:
Episodic ataxia type 2 (EA2). Also called: ACETAZOLAMIDE-RESPONSIVE HEREDITARY PAROXYSMAL CEREBELLAR ATAXIA; ATAXIA, EPISODIC, WITH NYSTAGMUS; ATAXIA, FAMILIAL PAROXYSMAL; CEREBELLAR ATAXIA, PAROXYSMAL, ACETAZOLAMIDE-RESPONSIVE; CEREBELLOPATHY, HEREDITARY PAROXYSMAL; EPISODIC ATAXIA, NYSTAGMUS-ASSOCIATED. Identifiers: Orphanet 97, MedGen C1720416, MONDO:0007163, OMIM 108500.
Developmental and epileptic encephalopathy, 42 (DEE42A). Also called: DEVELOPMENTAL AND EPILEPTIC ENCEPHALOPATHY 42A; EPILEPTIC ENCEPHALOPATHY, EARLY INFANTILE, 42A; Epileptic encephalopathy, early infantile, 42. Identifiers: MedGen C4310716, MONDO:0014917, OMIM 617106.
Spinocerebellar ataxia type 6 (SCA6). Identifiers: Orphanet 98758, MedGen C0752124, MONDO:0008457, OMIM 183086.
Migraine, familial hemiplegic, 1. Also called: MIGRAINE, FAMILIAL HEMIPLEGIC 1, WITH PROGRESSIVE CEREBELLAR ATAXIA. Identifiers: Orphanet 569, MedGen C1832884, MONDO:0020756, OMIM 141500, MONDO:0007714.
Inborn genetic diseases. Identifiers: MedGen C0950123, MeSH D030342.

Allele frequency attached by ClinVar (database versions not stated): gnomAD exomes 0.00174 and 0.00480; 1000 Genomes Project 0.01637; ESP Exome Variant Server 0.01741; 1000 Genomes Project 30x 0.01811; ExAC 0.01879; gnomAD 0.01946 and 0.02098; TOPMed 0.02055.
gnomAD v4.1: 5,209 of 1,366,650 alleles (0.38%); highest among the groups gnomAD compares: African/African-American, 6.6%; 154 homozygotes.

Submissions (9):

Labcorp Genetics (formerly Invitae), Labcorp
Classification: Benign for Developmental and epileptic encephalopathy, 42; Episodic ataxia type 2. Last evaluated: 2026-02-03. Review status: criteria provided, single submitter. Criteria: Invitae Variant Classification Sherloc (09022015). Collection method: clinical testing. Allele origin: germline.

Mayo Clinic Laboratories, Mayo Clinic
Classification: Benign. Last evaluated: 2023-11-02. Review status: criteria provided, single submitter. Criteria: ACMG Guidelines, 2015. Collection method: clinical testing. Allele origin: germline. Observed: 22 variant alleles.

Fulgent Genetics
Classification: Benign for Episodic ataxia type 2; Migraine, familial hemiplegic, 1; Spinocerebellar ataxia type 6; Developmental and epileptic encephalopathy, 42. Last evaluated: 2022-04-13. Review status: criteria provided, single submitter. Criteria: ACMG Guidelines, 2015. Collection method: clinical testing. Allele origin: unknown.

Athena Diagnostics
Classification: Benign. Last evaluated: 2018-10-29. Review status: criteria provided, single submitter. Criteria: Athena Diagnostics Criteria. Collection method: clinical testing. Allele origin: germline.

Ambry Genetics
Classification: Benign for Inborn genetic diseases. Last evaluated: 2016-03-11. Review status: criteria provided, single submitter. Criteria: Ambry Variant Classification Scheme 2023. Collection method: clinical testing. Allele origin: germline.

GeneDx
Classification: Benign. Last evaluated: 2016-01-28. Review status: criteria provided, single submitter. Criteria: GeneDx Variant Classification (06012015). Collection method: clinical testing. Allele origin: germline. Affected: yes.
Comment: This variant is considered likely benign or benign based on one or more of the following criteria: it is a conservative change, it occurs at a poorly conserved position in the protein, it is predicted to be benign by multiple in silico algorithms, and/or has population frequency not consistent with disease.

Eurofins Ntd Llc (ga)
Classification: Benign. Last evaluated: 2014-07-04. Review status: criteria provided, single submitter. Criteria: EGL Classification Definitions 2015. Collection method: clinical testing. Allele origin: germline. Observed: 1 variant allele, 1 heterozygote.

Breakthrough Genomics
Classification: Benign. Review status: criteria provided, single submitter. Criteria: ACMG Guidelines, 2015. Collection method: not provided. Allele origin: germline. Inheritance: Autosomal dominant inheritance. Affected: yes.

Genetic Services Laboratory, University of Chicago
Classification: Likely benign for AllHighlyPenetrant. Review status: no assertion criteria provided. Collection method: clinical testing. Allele origin: germline. Inheritance: Autosomal dominant inheritance. Not counted in ClinVar's aggregate classification.
Comment: Likely benign based on allele frequency in 1000 Genomes Project or ESP global frequency and its presence in a patient with a rare or unrelated disease phenotype. NOT Sanger confirmed.

NM_001127222.2(CACNA1A):c.6378C>T (p.Ser2126=)

Gene: CACNA1A (calcium voltage-gated channel subunit alpha1 A; minus strand). Cytogenetic location: 19p13.13.
Variant type: single nucleotide variant.
Coding change: c.6378C>T on transcript NM_001127222.2 (MANE Select); coding-DNA position 6378, C replaced by T.
Protein change: p.Ser2126=; no amino-acid change (serine 2126 retained).
Molecular consequence: synonymous variant.
Genome position (GRCh38, 1-based): chr19:13,209,460, G>A on the plus strand (C>T on the coding strand, the complement: CACNA1A is on the minus strand). VCF-style: chr19-13209460-G-A. GRCh37 (hg19) VCF-style: chr19-13320274-G-A.
Other names: p.Ser2127=; c.6396C>T, p.Ser2132= (NM_000068.4, NM_023035.3); c.6381C>T, p.Ser2127= (NM_001127221.2); c.6387C>T, p.Ser2129= (NM_001174080.2).
Identifiers: ClinVar variation 128558 (VCV000128558.27), dbSNP rs16050, ClinGen allele CA152121.